The following is an entry in ClinVar:

NM_006648.4(WNK2):c.5263G>A (p.Asp1755Asn)

Gene: WNK2 (WNK lysine deficient protein kinase 2; plus strand). Cytogenetic location: 9q22.31.
Variant type: single nucleotide variant.
Coding change: c.5263G>A on transcript NM_006648.4 (MANE Select); coding-DNA position 5263, G replaced by A.
Protein change: p.Asp1755Asn; replaces aspartic acid 1755 with asparagine.
Molecular consequence: missense variant.
Genome position (GRCh38, 1-based): chr9:93,292,728, G>A. VCF-style: chr9-93292728-G-A. GRCh37 (hg19) VCF-style: chr9-96055010-G-A.
Other names: c.5374G>A, p.Asp1792Asn (NM_001282394.3); short protein forms D1755N, D1792N.
Identifiers: ClinVar variation 4201809 (VCV004201809.1).

ClinVar aggregate classification (germline): Uncertain significance (1 of 4 stars; one submission).

Submission:

Ambry Genetics
Classification: Uncertain significance. Last evaluated: 2025-08-23. Review status: criteria provided, single submitter. Criteria: Ambry Variant Classification Scheme 2023. Collection method: clinical testing. Allele origin: germline.
Comment: The p.D1755N variant (also known as c.5263G>A), located in coding exon 22 of the WNK2 gene, results from a G to A substitution at nucleotide position 5263. The aspartic acid at codon 1755 is replaced by asparagine, an amino acid with highly similar properties. This amino acid position is conserved. In addition, this alteration is predicted to be tolerated by in silico analysis. Based on the available evidence, the clinical significance of this variant remains unclear.